The following is an entry in ClinVar:

NM_001042492.3(NF1):c.1491_1499del (p.Lys498_Ile500del)

Gene: NF1 (neurofibromin 1; plus strand). Cytogenetic location: 17q11.2.
Variant type: Deletion.
Coding change: c.1491_1499del on transcript NM_001042492.3 (MANE Select); coding-DNA positions 1491 to 1499, 9 bases deleted (GAAACTAAT; older notation c.1491_1499delGAAACTAAT).
Protein change: p.Lys498_Ile500del.
Molecular consequence: inframe deletion. On other transcripts: inframe indel (1).
Genome position (GRCh38, 1-based): chr17:31,214,549-31,214,557, GAAACTAAT deleted; deleting any 9 consecutive bases within chr17:31,214,548-31,214,557 gives the same sequence; the c. name uses the placement nearest the transcript's 3' end. VCF-style (leftmost placement, unchanged base first): chr17-31214547-GTGAAACTAA-G. GRCh37 (hg19) VCF-style: chr17-29541565-GTGAAACTAA-G.
Other names: c.1491_1499delGAAACTAAT, p.Lys498_Ile500del (NM_000267.4); c.1491_1499del, p.Lys498_Ile500del (NM_001128147.3).
Identifiers: ClinVar variation 1700952 (VCV001700952.2), dbSNP rs2143960093, ClinGen allele CA2580092818.
Genomic context (GRCh38, chr17:31,214,547, plus strand): 5'-TTTAAAGAAAAACCTACAGACCTGGAGACAAGAAGCTATAAGTATCTTCTCTTGTCCATG[GTGAAACTAA>G]TTCATGCAGATCCAAAGCTCTTGCTTTGTGTAAGTATTTTTTTATGAAATGTCTCAAAAT-3'

ClinVar aggregate classification (germline): Uncertain significance (1 of 4 stars; one submission).

Submission:

GeneDx
Classification: Uncertain significance. Last evaluated: 2022-02-14. Review status: criteria provided, single submitter. Criteria: GeneDx Variant Classification Process June 2021. Collection method: clinical testing. Allele origin: germline. Affected: yes.
Comment: Not observed at significant frequency in large population cohorts (gnomAD); In-frame deletion of 3 amino acids in a non-repeat region; Has not been previously published as pathogenic or benign to our knowledge